The following is an entry in ClinVar:

NM_004667.6(HERC2):c.8416G>A (p.Glu2806Lys)

Gene: HERC2 (HECT and RLD domain containing E3 ubiquitin protein ligase 2; minus strand). Cytogenetic location: 15q13.1.
Variant type: single nucleotide variant.
Coding change: c.8416G>A on transcript NM_004667.6 (MANE Select); coding-DNA position 8416, G replaced by A.
Protein change: p.Glu2806Lys; replaces glutamic acid 2806 with lysine.
Molecular consequence: missense variant.
Genome position (GRCh38, 1-based): chr15:28,191,996, C>T on the plus strand (G>A on the coding strand, the complement: HERC2 is on the minus strand). VCF-style: chr15-28191996-C-T. GRCh37 (hg19) VCF-style: chr15-28437142-C-T.
Other names: c.8416G>A (NM_004667.5); short protein forms E2806K.
Identifiers: ClinVar variation 2221089 (VCV002221089.4), dbSNP rs763730325, ClinGen allele CA7441488.

ClinVar aggregate classification (germline): Uncertain significance. Review status: criteria provided, multiple submitters, no conflicts (2 of 4 stars). 2 submissions from 2 submitters: Uncertain significance (2). Last evaluated 2026-04-16.

Conditions:
Inborn genetic diseases. Identifiers: MedGen C0950123, MeSH D030342.

Allele frequency attached by ClinVar (database versions not stated): ExAC 0.00001.

Submissions (2):

GeneDx
Classification: Uncertain significance. Last evaluated: 2026-04-16. Review status: criteria provided, single submitter. Criteria: GeneDx Variant Classification Process June 2021. Collection method: clinical testing. Allele origin: germline.
Comment: Not observed at significant frequency in large population cohorts (gnomAD); In silico analysis suggests that this missense variant does not alter protein structure/function; Has not been previously published as pathogenic or benign to our knowledge

Ambry Genetics
Classification: Uncertain significance for Inborn genetic diseases. Last evaluated: 2022-12-14. Review status: criteria provided, single submitter. Criteria: Ambry Variant Classification Scheme 2023. Collection method: clinical testing. Allele origin: germline.